The following is an entry in ClinVar:

ClinVar aggregate classification (germline): Uncertain significance. Review status: criteria provided, multiple submitters, no conflicts (2 of 4 stars). 4 submissions from 4 submitters: Uncertain significance (3). 1 of the submissions does not count toward it. Last evaluated 2024-04-13.

Conditions:
Autosomal recessive polycystic kidney disease (ARPKD). Also called: AR polycystic kidney disease. Identifiers: Orphanet 731, Orphanet 8378, MedGen C0085548, MeSH D017044, MONDO:0009889.
Polycystic kidney disease 4 (PKD4). Also called: POLYCYSTIC KIDNEY DISEASE 4 WITH OR WITHOUT POLYCYSTIC LIVER DISEASE; PKD3; POLYCYSTIC KIDNEY AND HEPATIC DISEASE 1; POLYCYSTIC KIDNEY DISEASE, INFANTILE, TYPE I; Autosomal Recessive Polycystic Kidney Disease – PKHD1. Identifiers: MedGen C4540575, MONDO:0033004, OMIM 263200.
Inborn genetic diseases. Identifiers: MedGen C0950123, MeSH D030342.

Allele frequency attached by ClinVar (database versions not stated): gnomAD exomes below 0.00001 and 0.00001; gnomAD 0.00001; TOPMed 0.00001; ExAC 0.00002.

Submissions (4):

Fulgent Genetics
Classification: Uncertain significance for Polycystic kidney disease 4. Last evaluated: 2024-04-13. Review status: criteria provided, single submitter. Criteria: ACMG Guidelines, 2015. Collection method: clinical testing. Allele origin: germline.

Ambry Genetics
Classification: Uncertain significance for Inborn genetic diseases. Last evaluated: 2022-02-09. Review status: criteria provided, single submitter. Criteria: Ambry Variant Classification Scheme 2023. Collection method: clinical testing. Allele origin: germline.

Labcorp Genetics (formerly Invitae), Labcorp
Classification: Uncertain significance for Autosomal recessive polycystic kidney disease. Last evaluated: 2021-08-27. Review status: criteria provided, single submitter. Criteria: Invitae Variant Classification Sherloc (09022015). Collection method: clinical testing. Allele origin: germline.
Comment: This sequence change replaces tyrosine with cysteine at codon 828 of the PKHD1 protein (p.Tyr828Cys). The tyrosine residue is moderately conserved and there is a large physicochemical difference between tyrosine and cysteine. This variant is present in population databases (rs781698219, ExAC 0.003%). This variant has not been reported in the literature in individuals affected with PKHD1-related conditions. Algorithms developed to predict the effect of missense changes on protein structure and function are either unavailable or do not agree on the potential impact of this missense change (SIFT: "Deleterious"; PolyPhen-2: "Probably Damaging"; Align-GVGD: "Class C0"). In summary, the available evidence is currently insufficient to determine the role of this variant in disease. Therefore, it has been classified as a Variant of Uncertain Significance.

Natera, Inc.
Classification: Uncertain significance for Autosomal recessive polycystic kidney disease. Last evaluated: 2020-09-16. Review status: no assertion criteria provided. Collection method: clinical testing. Allele origin: germline. Not counted in ClinVar's aggregate classification.

NM_138694.4(PKHD1):c.2483A>G (p.Tyr828Cys)

Gene: PKHD1 (PKHD1 ciliary IPT domain containing fibrocystin/polyductin; minus strand). Cytogenetic location: 6p12.2.
Variant type: single nucleotide variant.
Coding change: c.2483A>G on transcript NM_138694.4 (MANE Select); coding-DNA position 2483, A replaced by G.
Protein change: p.Tyr828Cys; replaces tyrosine 828 with cysteine.
Molecular consequence: missense variant.
Genome position (GRCh38, 1-based): chr6:52,046,113, T>C on the plus strand (A>G on the coding strand, the complement: PKHD1 is on the minus strand). VCF-style: chr6-52046113-T-C. GRCh37 (hg19) VCF-style: chr6-51910911-T-C.
Other names: c.2483A>G, p.Tyr828Cys (NM_170724.3); short protein forms Y828C.
Identifiers: ClinVar variation 643253 (VCV000643253.9), dbSNP rs781698219, ClinGen allele CA3853198.